The following is an entry in ClinVar:

NM_007194.4(CHEK2):c.239C>A (p.Pro80His)

Gene: CHEK2 (checkpoint kinase 2; minus strand). Cytogenetic location: 22q12.1.
Variant type: single nucleotide variant.
Coding change: c.239C>A on transcript NM_007194.4 (MANE Select); coding-DNA position 239, C replaced by A.
Protein change: p.Pro80His; replaces proline 80 with histidine.
Molecular consequence: missense variant.
Genome position (GRCh38, 1-based): chr22:28,734,483, G>T on the plus strand (C>A on the coding strand, the complement: CHEK2 is on the minus strand). VCF-style: chr22-28734483-G-T. GRCh37 (hg19) VCF-style: chr22-29130471-G-T.
Other names: c.239C>A, p.Pro80His (NM_001005735.3, NM_001349956.3, NM_145862.3); c.-539C>A (NM_001257387.3); short protein forms P80H.
Identifiers: ClinVar variation 231181 (VCV000231181.27), dbSNP rs876659006, ClinGen allele CA10581108.

ClinVar aggregate classification (germline): Uncertain significance. Review status: criteria provided, multiple submitters, no conflicts (2 of 4 stars). 10 submissions from 10 submitters: Uncertain significance (8). 2 of the submissions do not count toward it. Last evaluated 2026-01-02.

Conditions:
Hereditary nonpolyposis colon cancer (HNPCC). Also called: Hereditary nonpolyposis colorectal cancer; Familial nonpolyposis colon cancer; Hereditary Nonpolyposis Colorectal Cancer Syndrome. Identifiers: Orphanet 443909, MedGen C1333990, MONDO:0018630. Disease mechanism: loss of function.
Hereditary cancer-predisposing syndrome. Also called: Neoplastic Syndromes, Hereditary; Tumor predisposition; Hereditary Cancer Syndrome; Hereditary neoplastic syndrome. Identifiers: Orphanet 140162, MedGen C0027672, MeSH D009386, MONDO:0015356.
Familial cancer of breast. Also called: BREAST CANCER, FAMILIAL; hereditary breast carcinoma; Hereditary breast cancer. Identifiers: Orphanet 227535, MedGen C0346153, MONDO:0016419, OMIM 114480. Disease mechanism: loss of function.

Allele frequency attached by ClinVar (database versions not stated): gnomAD exomes below 0.00001.
gnomAD v4.1: 7 of 1,614,104 alleles (0.00043%); highest among the groups gnomAD compares: South Asian, 0.0011%; no homozygotes.

Submissions (10):

Labcorp Genetics (formerly Invitae), Labcorp
Classification: Uncertain significance for Familial cancer of breast. Last evaluated: 2026-01-02. Review status: criteria provided, single submitter. Criteria: Invitae Variant Classification Sherloc (09022015). Collection method: clinical testing. Allele origin: germline.
Comment: This sequence change replaces proline, which is neutral and non-polar, with histidine, which is basic and polar, at codon 80 of the CHEK2 protein (p.Pro80His). This variant is not present in population databases (gnomAD no frequency). This missense change has been observed in individual(s) with breast cancer (PMID: 32658311). ClinVar contains an entry for this variant (Variation ID: 231181). An algorithm developed to predict the effect of missense changes on protein structure and function (PolyPhen-2) suggests that this variant is likely to be disruptive. Experimental studies have shown that this missense change does not substantially affect CHEK2 function (PMID: 30851065). In summary, the available evidence is currently insufficient to determine the role of this variant in disease. Therefore, it has been classified as a Variant of Uncertain Significance.

Center for Genomic Medicine, Rigshospitalet, Copenhagen University Hospital
Classification: Uncertain significance. Last evaluated: 2025-12-29. Review status: criteria provided, single submitter. Criteria: ACMG Guidelines, 2015. Collection method: clinical testing. Allele origin: germline.

Ambry Genetics
Classification: Uncertain significance for Hereditary cancer-predisposing syndrome. Last evaluated: 2025-03-27. Review status: criteria provided, single submitter. Criteria: Ambry Variant Classification Scheme 2023. Collection method: clinical testing. Allele origin: germline.
Comment: The p.P80H variant (also known as c.239C>A), located in coding exon 1 of the CHEK2 gene, results from a C to A substitution at nucleotide position 239. The proline at codon 80 is replaced by histidine, an amino acid with similar properties. This alteration has been reported in at least one subject in a study of 13087 breast cancer cases and 5488 control individuals in the UK (Decker B et al. J Med Genet, 2017 11;54:732-741). In addition, this variant was seen in 0/732 breast cancer patients, 1/189 colorectal cancer patients and 0/490 cancer-free elderly controls in a Turkish population (Akcay IM et al. Int J Cancer. 2021 Jan;148(2):285-295). This alteration behaved as functional in an in vivo, yeast-based growth rate assay (Delimitsou A et al. Hum Mutat, 2019 05;40:631-648). This amino acid position is well conserved in available vertebrate species. In addition, the in silico prediction for this alteration is inconclusive. Since supporting evidence is limited at this time, the clinical significance of this alteration remains unclear.

Department of Pathology and Laboratory Medicine, Sinai Health System
Classification: Uncertain significance for hereditary nonpolyposis colon cancer. Last evaluated: 2024-07-22. Review status: criteria provided, single submitter. Criteria: ACMG Guidelines, 2015. Collection method: clinical testing. Allele origin: germline.

GeneDx
Classification: Uncertain significance. Last evaluated: 2024-07-04. Review status: criteria provided, single submitter. Criteria: GeneDx Variant Classification Process June 2021. Collection method: clinical testing. Allele origin: germline. Affected: yes.
Comment: Not observed at significant frequency in large population cohorts (gnomAD); In silico analysis supports that this missense variant has a deleterious effect on protein structure/function; Published functional studies demonstrate no damaging effect in a yeast-based growth assay (PMID: 30851065); Observed in an individual with sarcoma (PMID: 27498913); This variant is associated with the following publications: (PMID: 35643632, 30851065, 27498913)

Color Diagnostics, LLC DBA Color Health
Classification: Uncertain significance for Hereditary cancer-predisposing syndrome. Last evaluated: 2024-03-05. Review status: criteria provided, single submitter. Criteria: ACMG Guidelines, 2015. Collection method: clinical testing. Allele origin: germline.
Comment: This missense variant replaces proline with histidine at codon 80 of the CHEK2 protein. Computational prediction suggests that this variant may not impact protein structure and function. A yeast-based assay has characterized this variant protein as functional (PMID: 30851065) and a human cell complementation assay showed that this variant does not impact KAP1 phosphorylation or CHEK2 autophosphorylation (PMID: 37449874). This variant has been reported in individuals affected with breast cancer, prostate cancer, and in unaffected individuals (PMID: 32658311, 33471991, 37449874). This variant has not been identified in the general population by the Genome Aggregation Database (gnomAD). The available evidence is insufficient to determine the role of this variant in disease conclusively. Therefore, this variant is classified as a Variant of Uncertain Significance.

Baylor Genetics
Classification: Uncertain significance for Familial cancer of breast. Last evaluated: 2023-11-26. Review status: criteria provided, single submitter. Criteria: ACMG Guidelines, 2015. Collection method: clinical testing. Allele origin: unknown.

Sema4
Classification: Uncertain significance for Hereditary cancer-predisposing syndrome. Last evaluated: 2021-05-10. Review status: criteria provided, single submitter. Criteria: Sema4 Curation Guidelines. Collection method: curation. Allele origin: germline.
Comment: The CHEK2 c.239C>A (p.P80H) variant has not been reported in individuals with CHEK2-related disease to our knowledge. It was not observed in the large and broad cohorts of the Genome Aggregation Database (PMID: 32461654). The variant has been reported in ClinVar (Variation ID 231181). In silico tools suggest the impact of the variant on protein function is inconclusive and a functional study demonstrated the normal function of the protein (PMID: 30851065). The evidence is insufficient to meet ACMG/AMP criteria for classifying the variant as benign or pathogenic. Thus, the clinical significance of this variant is currently uncertain.

Diagnostic Laboratory, Department of Genetics, University Medical Center Groningen
Classification: Uncertain significance. Review status: no assertion criteria provided. Collection method: clinical testing. Allele origin: germline. Affected: yes. Study: VKGL Data-share Consensus. Not counted in ClinVar's aggregate classification.

Genome Diagnostics Laboratory, Amsterdam University Medical Center
Classification: Uncertain significance. Review status: no assertion criteria provided. Collection method: clinical testing. Allele origin: germline. Affected: yes. Study: VKGL Data-share Consensus. Not counted in ClinVar's aggregate classification.

Literature cited by the submitters: PubMed 32658311 (cited by 4 submitters); PubMed 30851065 (cited by 5 submitters); PubMed 28779002 (cited by Ambry Genetics and Department of Pathology and Laboratory Medicine, Sinai Health System); PubMed 35643632 (cited by Ambry Genetics); PubMed 33471991 (cited by Color Diagnostics, LLC DBA Color Health); PubMed 37449874 (cited by Color Diagnostics, LLC DBA Color Health).